The following is an entry in ClinVar:

NM_182493.3(MYLK3):c.1232G>A (p.Gly411Glu)

Gene: MYLK3 (myosin light chain kinase 3; minus strand). Cytogenetic location: 16q11.2.
Variant type: single nucleotide variant.
Coding change: c.1232G>A on transcript NM_182493.3 (MANE Select); coding-DNA position 1232, G replaced by A.
Protein change: p.Gly411Glu; replaces glycine 411 with glutamic acid.
Molecular consequence: missense variant.
Genome position (GRCh38, 1-based): chr16:46,732,438, C>T on the plus strand (G>A on the coding strand, the complement: MYLK3 is on the minus strand). VCF-style: chr16-46732438-C-T. GRCh37 (hg19) VCF-style: chr16-46766350-C-T.
Other names: c.209G>A, p.Gly70Glu (NM_001308301.1); short protein forms G411E, G70E.
Identifiers: ClinVar variation 4729613 (VCV004729613.1).

ClinVar aggregate classification (germline): Uncertain significance (1 of 4 stars; one submission).

Submission:

Labcorp Genetics (formerly Invitae), Labcorp
Classification: Uncertain significance. Last evaluated: 2025-10-21. Review status: criteria provided, single submitter. Criteria: Invitae Variant Classification Sherloc (09022015). Collection method: clinical testing. Allele origin: germline.
Comment: This sequence change replaces glycine, which is neutral and non-polar, with glutamic acid, which is acidic and polar, at codon 411 of the MYLK3 protein (p.Gly411Glu). This variant is not present in population databases (gnomAD no frequency). This variant has not been reported in the literature in individuals affected with MYLK3-related conditions. An algorithm developed to predict the effect of missense changes on protein structure and function (PolyPhen-2) suggests that this variant is likely to be disruptive. In summary, the available evidence is currently insufficient to determine the role of this variant in disease. Therefore, it has been classified as a Variant of Uncertain Significance.